The following is an entry in ClinVar:

ClinVar aggregate classification (germline): Pathogenic. Review status: criteria provided, multiple submitters, no conflicts (2 of 4 stars). 8 submissions from 8 submitters: Pathogenic (7). 1 of the submissions does not count toward it. Last evaluated 2026-05-29.

Conditions:
Infantile GM1 gangliosidosis. Also called: Gangliosidosis, Generalized GM1, Type 1; GM1-gangliosidosis, type I; Gangliosidosis, generalized GM1, infantile form; GLB1 deficiency; GM1 gangliosidosis type 1. Identifiers: Orphanet 354, Orphanet 79255, MedGen C0268271, MONDO:0009260, OMIM 230500.
Mucopolysaccharidosis, MPS-IV-B (MPS4B). Also called: Mucopolysaccharidosis type IV B; Mucopolysaccharidosis Type IVB; MORQUIO SYNDROME B; Mucopolysaccharidosis Type IVB (Morquio B Disease); Mucopolysaccharidosis type IVB (Morquio); MPS IVB. Identifiers: Orphanet 309310, Orphanet 582, MedGen C0086652, MONDO:0009660, OMIM 253010.
GLB1-related disorder. Also called: GLB1-related disorders. Identifiers: MedGen CN377807.
GM1 gangliosidosis. Identifiers: MedGen C0085131, MONDO:0018149, Orphanet 354.

Allele frequency attached by ClinVar (database versions not stated): gnomAD 0.00001; gnomAD exomes 0.00001 and 0.00002; TOPMed 0.00001; ExAC 0.00002.
gnomAD v4.1: 13 of 1,614,058 alleles (0.00081%); highest among the groups gnomAD compares: South Asian, 0.0044%; no homozygotes.

Submissions (8):

Greenwood Genetic Center Diagnostic Laboratories, Greenwood Genetic Center
Classification: Pathogenic for GLB1-related disorder. Last evaluated: 2026-05-29. Review status: criteria provided, single submitter. Criteria: ACMG Guidelines, 2015. Collection method: clinical testing. Allele origin: germline. Affected: yes.
Comment: PS3, PM2, PM3_Strong

Natera, Inc.
Classification: Pathogenic for Mucopolysaccharidosis, MPS-IV-B. Last evaluated: 2024-09-23. Review status: criteria provided, single submitter. Criteria: Natera Variant Classification Schema (03/2026). Collection method: clinical testing. Allele origin: germline.
Comment: The c.1646C>T variant in GLB1 is a missense variant predicted to cause substitution of proline to leucine at amino acid 549. This variant is rare in the general population with a frequency below the threshold expected for the associated phenotype(s). This variant has been observed in one or more individuals affected with the associated recessive disease, as either homozygous or compound heterozygous with a second variant (PMID: 17309651, 17221873, 21520340). Given the available evidence, this variant is classified as Pathogenic.

Labcorp Genetics (formerly Invitae), Labcorp
Classification: Pathogenic for Mucopolysaccharidosis, MPS-IV-B; GM1 gangliosidosis. Last evaluated: 2024-05-31. Review status: criteria provided, single submitter. Criteria: Invitae Variant Classification Sherloc (09022015). Collection method: clinical testing. Allele origin: germline.
Comment: This sequence change replaces proline, which is neutral and non-polar, with leucine, which is neutral and non-polar, at codon 549 of the GLB1 protein (p.Pro549Leu). This variant is present in population databases (rs776327443, gnomAD 0.01%). This missense change has been observed in individual(s) with GM1 gangliosidosis (PMID: 17221873, 17309651, 22234367). In at least one individual the data is consistent with being in trans (on the opposite chromosome) from a pathogenic variant. ClinVar contains an entry for this variant (Variation ID: 426185). Advanced modeling of protein sequence and biophysical properties (such as structural, functional, and spatial information, amino acid conservation, physicochemical variation, residue mobility, and thermodynamic stability) performed at Invitae indicates that this missense variant is expected to disrupt GLB1 protein function with a positive predictive value of 95%. Experimental studies have shown that this missense change affects GLB1 function (PMID: 21520340). For these reasons, this variant has been classified as Pathogenic.

Women's Health and Genetics/Laboratory Corporation of America, LabCorp
Classification: Pathogenic for Mucopolysaccharidosis, MPS-IV-B. Last evaluated: 2023-05-09. Review status: criteria provided, single submitter. Criteria: LabCorp Variant Classification Summary - May 2015. Collection method: clinical testing. Allele origin: germline.
Comment: Variant summary: GLB1 c.1646C>T (p.Pro549Leu) results in a non-conservative amino acid change located in the Beta-galactosidase jelly roll domain of the encoded protein sequence. Five of five in-silico tools predict a damaging effect of the variant on protein function. The variant allele was found at a frequency of 2e-05 in 248816 control chromosomes. c.1646C>T has been reported in the literature in individuals affected with Mucopolysaccharidosis Type IVB (Morquio Syndrome B). These data indicate that the variant is likely to be associated with disease. At least one publication reports experimental evidence evaluating an impact on protein function. The most pronounced variant effect results in <10% of normal activity (Celtikci_2012). The following publications have been ascertained in the context of this evaluation (PMID: 17221873, 22234367, 17309651). Five clinical diagnostic laboratories have submitted clinical-significance assessments for this variant to ClinVar after 2014 without evidence for independent evaluation. All laboratories classified the variant as pathogenic/likely pathogenic. Based on the evidence outlined above, the variant was classified as pathogenic.

Laboratory of Medical Genetics, National & Kapodistrian University of Athens
Classification: Pathogenic for Infantile GM1 gangliosidosis. Last evaluated: 2022-01-12. Review status: criteria provided, single submitter. Criteria: ACMG Guidelines, 2015. Collection method: clinical testing. Allele origin: maternal. Affected: yes.
Comment: PM2, PM3, PP2, PP3, PP5

Revvity Omics, Revvity
Classification: Pathogenic. Last evaluated: 2020-04-08. Review status: criteria provided, single submitter. Criteria: ACMG Guidelines, 2015. Collection method: clinical testing. Allele origin: germline.

GeneDx
Classification: Pathogenic. Last evaluated: 2017-04-27. Review status: criteria provided, single submitter. Criteria: GeneDx Variant Classification (06012015). Collection method: clinical testing. Allele origin: germline. Affected: yes.
Comment: The P549L variant is classified as a severe GLB1 variant associated with type I (infantile) GM1-gangliosidosis phenotype (Santamaria et al. 2007; Caciotti et al. 2007; Higaki et al. 2011; CeltikÃ§i et al. 2012). The P549L variant is not observed in large population cohorts (Lek et al., 2016; 1000 Genomes Consortium et al., 2015; Exome Variant Server). The P549L variant is a semi-conservative amino acid substitution that occurs at a position that is conserved across species, and in silico analysis predicts this variant is probably damaging to the protein structure/function. Furthermore, P549 is located in the galactose-binding domain-like structure of the Î²-galactosidase protein. Variants in this region are expected to be severe as they likely result in changes to the structure of the enzyme's active site and/or substrate binding site (CeltikÃ§i et al. 2012). In summary, we interpret P549L as pathogenic.

Counsyl
Classification: Likely pathogenic for Mucopolysaccharidosis, MPS-IV-B. Last evaluated: 2017-03-16. Review status: no assertion criteria provided. Collection method: clinical testing. Allele origin: unknown. Not counted in ClinVar's aggregate classification.

Literature cited by the submitters: PubMed 17309651 (cited by 4 submitters); PubMed 17221873 (cited by 4 submitters); PubMed 21520340 (cited by 3 submitters); PubMed 22234367 (cited by 3 submitters); PubMed 22128166 (cited by Counsyl).

NM_000404.4(GLB1):c.1646C>T (p.Pro549Leu)

Gene: GLB1 (galactosidase beta 1; minus strand). Cytogenetic location: 3p22.3.
Variant type: single nucleotide variant.
Coding change: c.1646C>T on transcript NM_000404.4 (MANE Select); coding-DNA position 1646, C replaced by T.
Protein change: p.Pro549Leu; replaces proline 549 with leucine.
Molecular consequence: missense variant.
Genome position (GRCh38, 1-based): chr3:33,014,144, G>A on the plus strand (C>T on the coding strand, the complement: GLB1 is on the minus strand). VCF-style: chr3-33014144-G-A. GRCh37 (hg19) VCF-style: chr3-33055636-G-A.
Other names: c.1556C>T, p.Pro519Leu (NM_001079811.3); c.1253C>T, p.Pro418Leu (NM_001135602.3); c.1790C>T, p.Pro597Leu (NM_001317040.2); c.1646C>T, p.Pro549Leu (NM_001393580.1); c.1646C>T (NM_000404.3); short protein forms P549L, P519L, P418L, P597L.
Identifiers: ClinVar variation 426185 (VCV000426185.19), dbSNP rs776327443, ClinGen allele CA2299335.